The following is an entry in ClinVar:

ClinVar aggregate classification (germline): Uncertain significance (1 of 4 stars; one submission).

Allele frequency attached by ClinVar (database versions not stated): gnomAD 0.00005; gnomAD exomes 0.00006; TOPMed 0.00006; ExAC 0.00007.
gnomAD v4.1: 96 of 1,613,952 alleles (0.0059%); highest among the groups gnomAD compares: Non-Finnish European, 0.0079%; no homozygotes.

Submission:

Labcorp Genetics (formerly Invitae), Labcorp
Classification: Uncertain significance. Last evaluated: 2022-01-21. Review status: criteria provided, single submitter. Criteria: Invitae Variant Classification Sherloc (09022015). Collection method: clinical testing. Allele origin: germline.
Comment: This sequence change replaces serine, which is neutral and polar, with tyrosine, which is neutral and polar, at codon 96 of the TBX15 protein (p.Ser96Tyr). This variant is present in population databases (rs202071853, gnomAD 0.01%). This variant has not been reported in the literature in individuals affected with TBX15-related conditions. Algorithms developed to predict the effect of missense changes on protein structure and function (SIFT, PolyPhen-2, Align-GVGD) all suggest that this variant is likely to be disruptive. In summary, the available evidence is currently insufficient to determine the role of this variant in disease. Therefore, it has been classified as a Variant of Uncertain Significance.

NM_001330677.2(TBX15):c.605C>A (p.Ser202Tyr)

Gene: TBX15 (T-box transcription factor 15; minus strand). Cytogenetic location: 1p12.
Variant type: single nucleotide variant.
Coding change: c.605C>A on transcript NM_001330677.2 (MANE Select); coding-DNA position 605, C replaced by A.
Protein change: p.Ser202Tyr; replaces serine 202 with tyrosine.
Molecular consequence: missense variant.
Genome position (GRCh38, 1-based): chr1:118,924,734, G>T on the plus strand (C>A on the coding strand, the complement: TBX15 is on the minus strand). VCF-style: chr1-118924734-G-T. GRCh37 (hg19) VCF-style: chr1-119467357-G-T.
Other names: c.287C>A, p.Ser96Tyr (NM_152380.3); short protein forms S202Y, S96Y.
Identifiers: ClinVar variation 2077815 (VCV002077815.1), dbSNP rs202071853, ClinGen allele CA1035040.